The following is an entry in ClinVar:

NM_000535.7(PMS2):c.790C>T (p.His264Tyr)

Gene: PMS2 (PMS1 homolog 2, mismatch repair system component; minus strand). Cytogenetic location: 7p22.1.
Variant type: single nucleotide variant.
Coding change: c.790C>T on transcript NM_000535.7 (MANE Select); coding-DNA position 790, C replaced by T.
Protein change: p.His264Tyr; replaces histidine 264 with tyrosine.
Molecular consequence: missense variant. On other transcripts: 5 prime UTR variant (2), non-coding transcript variant (1).
Genome position (GRCh38, 1-based): chr7:5,997,339, G>A on the plus strand (C>T on the coding strand, the complement: PMS2 is on the minus strand). VCF-style: chr7-5997339-G-A. GRCh37 (hg19) VCF-style: chr7-6036970-G-A.
Other names: c.472C>T, p.His158Tyr (NM_001322008.2, NM_001322007.2); c.385C>T, p.His129Tyr (NM_001322009.2, NM_001322010.2, NM_001322003.2 and 2 more transcripts); c.-144C>T (NM_001322011.2, NM_001322012.2); c.790C>T, p.His264Tyr (NM_001322006.2, NM_001322014.2); c.217C>T, p.His73Tyr (NM_001322013.2); c.481C>T, p.His161Tyr (NM_001322015.2); short protein forms H158Y, H264Y, H73Y, H129Y, H161Y.
Identifiers: ClinVar variation 1402498 (VCV001402498.10), dbSNP rs2128786522, ClinGen allele CA366743630.

ClinVar aggregate classification (germline): Uncertain significance. Review status: criteria provided, multiple submitters, no conflicts (2 of 4 stars). 2 submissions from 2 submitters: Uncertain significance (2). Last evaluated 2021-06-23.

Conditions:
Hereditary nonpolyposis colorectal neoplasms. Identifiers: MedGen C0009405, MeSH D003123.
Hereditary cancer-predisposing syndrome. Also called: Hereditary neoplastic syndrome; Hereditary Cancer Syndrome; Neoplastic Syndromes, Hereditary; Tumor predisposition. Identifiers: Orphanet 140162, MedGen C0027672, MeSH D009386, MONDO:0015356.

Allele frequency attached by ClinVar (database versions not stated): gnomAD exomes below 0.00001.
gnomAD v4.1: 1 of 1,547,856 alleles (0.000065%); highest among the groups gnomAD compares: Non-Finnish European, 0.000089%; no homozygotes.

Submissions (2):

Labcorp Genetics (formerly Invitae), Labcorp
Classification: Uncertain significance for Hereditary nonpolyposis colorectal neoplasms. Last evaluated: 2021-06-23. Review status: criteria provided, single submitter. Criteria: Invitae Variant Classification Sherloc (09022015). Collection method: clinical testing. Allele origin: germline.
Comment: In summary, the available evidence is currently insufficient to determine the role of this variant in disease. Therefore, it has been classified as a Variant of Uncertain Significance. Advanced modeling of protein sequence and biophysical properties (such as structural, functional, and spatial information, amino acid conservation, physicochemical variation, residue mobility, and thermodynamic stability) performed at Invitae indicates that this missense variant is not expected to disrupt PMS2 protein function. This variant has not been reported in the literature in individuals with PMS2-related conditions. This variant is not present in population databases (ExAC no frequency). This sequence change replaces histidine with tyrosine at codon 264 of the PMS2 protein (p.His264Tyr). The histidine residue is weakly conserved and there is a moderate physicochemical difference between histidine and tyrosine.

Ambry Genetics
Classification: Uncertain significance for Hereditary cancer-predisposing syndrome. Last evaluated: 2018-03-09. Review status: criteria provided, single submitter. Criteria: Ambry Variant Classification Scheme 2023. Collection method: clinical testing. Allele origin: germline.
Comment: The p.H264Y variant (also known as c.790C>T), located in coding exon 7 of the PMS2 gene, results from a C to T substitution at nucleotide position 790. The histidine at codon 264 is replaced by tyrosine, an amino acid with similar properties. This amino acid position is poorly conserved in available vertebrate species. In addition, the in silico prediction for this alteration is inconclusive. Since supporting evidence is limited at this time, the clinical significance of this alteration remains unclear.